The following is an entry in ClinVar:

NM_032634.4(PIGO):c.590del (p.Pro197fs)

Gene: PIGO (phosphatidylinositol glycan anchor biosynthesis class O; minus strand). Cytogenetic location: 9p13.3.
Variant type: Deletion.
Coding change: c.590del on transcript NM_032634.4 (MANE Select); coding-DNA position 590, one base deleted (C; older notation c.590delC).
Protein change: p.Pro197fs; shifts the reading frame from proline 197.
Molecular consequence: frameshift variant.
Genome position (GRCh38, 1-based): chr9:35,094,281, G deleted on the plus strand (C on the coding strand, the reverse complement: PIGO is on the minus strand); the first of 3 consecutive G bases (chr9:35,094,281-35,094,283); deleting any one gives the same sequence. VCF-style (leftmost placement, unchanged base first): chr9-35094280-TG-T. GRCh37 (hg19) VCF-style: chr9-35094277-TG-T.
Other names: c.590del, p.Pro197fs (NM_001201484.2, NM_152850.4); short protein forms P197fs.
Identifiers: ClinVar variation 851969 (VCV000851969.7), dbSNP rs763591247, ClinGen allele CA587569218.

ClinVar aggregate classification (germline): Pathogenic (1 of 4 stars; one submission).

Conditions:
Hyperphosphatasia with impaired intellectual development syndrome 2. Also called: Hyperphosphatasia with intellectual disability syndrome 2; GLYCOSYLPHOSPHATIDYLINOSITOL BIOSYNTHESIS DEFECT 6. Identifiers: Orphanet 247262, MedGen C3553637, MONDO:0013882, OMIM 614749.

Submission:

Labcorp Genetics (formerly Invitae), Labcorp
Classification: Pathogenic for Hyperphosphatasia with impaired intellectual development syndrome 2. Last evaluated: 2022-01-14. Review status: criteria provided, single submitter. Criteria: Invitae Variant Classification Sherloc (09022015). Collection method: clinical testing. Allele origin: germline.
Comment: This variant is present in population databases (no rsID available, gnomAD 0.01%). This variant has not been reported in the literature in individuals affected with PIGO-related conditions. ClinVar contains an entry for this variant (Variation ID: 851969). For these reasons, this variant has been classified as Pathogenic. This sequence change creates a premature translational stop signal (p.Pro197Hisfs*8) in the PIGO gene. It is expected to result in an absent or disrupted protein product. Loss-of-function variants in PIGO are known to be pathogenic (PMID: 22683086, 24417746).

Literature cited by the submitters: PubMed 22683086; PubMed 24417746.